The following is an entry in ClinVar:

ClinVar aggregate classification (germline): Pathogenic (1 of 4 stars; one submission).

Conditions:
Hereditary cancer-predisposing syndrome. Also called: Neoplastic Syndromes, Hereditary; Tumor predisposition; Hereditary Cancer Syndrome; Hereditary neoplastic syndrome. Identifiers: Orphanet 140162, MedGen C0027672, MeSH D009386, MONDO:0015356.

Submission:

Ambry Genetics
Classification: Pathogenic for Hereditary cancer-predisposing syndrome. Last evaluated: 2021-06-22. Review status: criteria provided, single submitter. Criteria: Ambry Variant Classification Scheme 2023. Collection method: clinical testing. Allele origin: germline.
Comment: The p.K1007* pathogenic mutation (also known as c.3019A>T), located in coding exon 15 of the APC gene, results from an A to T substitution at nucleotide position 3019. This changes the amino acid from a lysine to a stop codon within coding exon 15. This alteration occurs at the 3' terminus of theAPC gene, is not expected to trigger nonsense-mediated mRNA decay, and impacts the last 1837 amino acids of the protein. However, premature stop codons are typically deleterious in nature, the impacted region is critical for protein function and a significant portion of the protein is affected (Ambry internal data). Based on the supporting evidence, this alteration is interpreted as a disease-causing mutation.

NM_000038.6(APC):c.3019A>T (p.Lys1007Ter)

Gene: APC (APC regulator of Wnt signaling pathway; plus strand). Cytogenetic location: 5q22.2.
Variant type: single nucleotide variant.
Coding change: c.3019A>T on transcript NM_000038.6 (MANE Select); coding-DNA position 3019, A replaced by T.
Protein change: p.Lys1007Ter; replaces lysine 1007 with a stop codon.
Molecular consequence: nonsense.
Genome position (GRCh38, 1-based): chr5:112,838,613, A>T. VCF-style: chr5-112838613-A-T. GRCh37 (hg19) VCF-style: chr5-112174310-A-T.
Other names: c.3019A>T, p.Lys1007Ter (NM_001127510.3, NM_001354895.2, NM_001407450.1); c.2965A>T, p.Lys989Ter (NM_001127511.3); c.3073A>T, p.Lys1025Ter (NM_001354896.2, NM_001407447.1, NM_001407448.1 and 1 more transcripts); c.3049A>T, p.Lys1017Ter (NM_001354897.2); c.2944A>T, p.Lys982Ter (NM_001354898.2); c.2935A>T, p.Lys979Ter (NM_001354899.2); c.2896A>T, p.Lys966Ter (NM_001354900.2); c.2842A>T, p.Lys948Ter (NM_001354901.2, NM_001407453.1); and 11 more; short protein forms K623*, K924*, K966*, K982*, K1025*, K878*, K881*, K948*.
Identifiers: ClinVar variation 1798879 (VCV001798879.2), dbSNP rs2149882424, ClinGen allele CA16027935.